The following is an entry in ClinVar:

NM_000452.3(SLC10A2):c.724T>A (p.Phe242Ile)

Gene: SLC10A2 (solute carrier family 10 member 2; minus strand). Cytogenetic location: 13q33.1.
Variant type: single nucleotide variant.
Coding change: c.724T>A on transcript NM_000452.3 (MANE Select); coding-DNA position 724, T replaced by A.
Protein change: p.Phe242Ile; replaces phenylalanine 242 with isoleucine.
Molecular consequence: missense variant.
Genome position (GRCh38, 1-based): chr13:103,051,294, A>T on the plus strand (T>A on the coding strand, the complement: SLC10A2 is on the minus strand). VCF-style: chr13-103051294-A-T. GRCh37 (hg19) VCF-style: chr13-103703644-A-T.
Other names: c.724T>A (NM_000452.2); short protein forms F242I.
Identifiers: ClinVar variation 2035070 (VCV002035070.5), dbSNP rs763982500, ClinGen allele CA388606066.
Genomic context (GRCh38, chr13:103,051,294, plus strand): 5'-ATGTGATTTACTAAATGCCATACCTGTACCAGGGTAGACCAGCAATTCTAGCCAGAAGAA[A>T]CCCCAGGGAGTAACCCGCCACAGGAAATATTGTTCCTATAATCCACAGTTTGGGAGCAAT-3'
Protein context (NP_000443.2, residues 232-252): IFPVAGYSLG[Phe242Ile]LLARIAGLPW

ClinVar aggregate classification (germline): Uncertain significance. Review status: criteria provided, multiple submitters, no conflicts (2 of 4 stars). 2 submissions from 2 submitters: Uncertain significance (2). Last evaluated 2025-11-26.

Submissions (2):

Ambry Genetics
Classification: Uncertain significance. Last evaluated: 2025-11-26. Review status: criteria provided, single submitter. Criteria: Ambry Variant Classification Scheme 2023. Collection method: clinical testing. Allele origin: germline.

Labcorp Genetics (formerly Invitae), Labcorp
Classification: Uncertain significance. Last evaluated: 2022-10-12. Review status: criteria provided, single submitter. Criteria: Invitae Variant Classification Sherloc (09022015). Collection method: clinical testing. Allele origin: germline.
Comment: In summary, the available evidence is currently insufficient to determine the role of this variant in disease. Therefore, it has been classified as a Variant of Uncertain Significance. Advanced modeling of protein sequence and biophysical properties (such as structural, functional, and spatial information, amino acid conservation, physicochemical variation, residue mobility, and thermodynamic stability) performed at Invitae indicates that this missense variant is not expected to disrupt SLC10A2 protein function. This variant has not been reported in the literature in individuals affected with SLC10A2-related conditions. This variant is not present in population databases (gnomAD no frequency). This sequence change replaces phenylalanine, which is neutral and non-polar, with isoleucine, which is neutral and non-polar, at codon 242 of the SLC10A2 protein (p.Phe242Ile).